The following is an entry in ClinVar:

ClinVar aggregate classification (germline): Pathogenic (1 of 4 stars; one submission).

Conditions:
Hereditary cancer-predisposing syndrome. Also called: Hereditary Cancer Syndrome; Hereditary neoplastic syndrome; Neoplastic Syndromes, Hereditary; Tumor predisposition. Identifiers: Orphanet 140162, MedGen C0027672, MeSH D009386, MONDO:0015356.

Submission:

Ambry Genetics
Classification: Pathogenic for Hereditary cancer-predisposing syndrome. Last evaluated: 2025-05-13. Review status: criteria provided, single submitter. Criteria: Ambry Variant Classification Scheme 2023. Collection method: clinical testing. Allele origin: germline.
Comment: The p.Y1068* pathogenic mutation (also known as c.3204T>G), located in coding exon 23 of the MSH3 gene, results from a T to G substitution at nucleotide position 3204. This changes the amino acid from a tyrosine to a stop codon within coding exon 23. This variant is considered to be rare based on population cohorts in the Genome Aggregation Database (gnomAD). This alteration is expected to result in loss of function by premature protein truncation or nonsense-mediated mRNA decay. As such, this alteration is interpreted as a disease-causing mutation.

NM_002439.5(MSH3):c.3204T>G (p.Tyr1068Ter)

Gene: MSH3 (mutS homolog 3; plus strand). Cytogenetic location: 5q14.1.
Variant type: single nucleotide variant.
Coding change: c.3204T>G on transcript NM_002439.5 (MANE Select); coding-DNA position 3204, T replaced by G.
Protein change: p.Tyr1068Ter; replaces tyrosine 1068 with a stop codon.
Molecular consequence: nonsense.
Genome position (GRCh38, 1-based): chr5:80,873,189, T>G. VCF-style: chr5-80873189-T-G. GRCh37 (hg19) VCF-style: chr5-80169008-T-G.
Other names: short protein forms Y1068*.
Identifiers: ClinVar variation 3913627 (VCV003913627.1).